The following is an entry in ClinVar:

NM_182914.3(SYNE2):c.12949C>T (p.Leu4317=)

Gene: SYNE2 (spectrin repeat containing nuclear envelope protein 2; plus strand). Cytogenetic location: 14q23.2.
Variant type: single nucleotide variant.
Coding change: c.12949C>T on transcript NM_182914.3 (MANE Select); coding-DNA position 12949, C replaced by T.
Protein change: p.Leu4317=; no amino-acid change (leucine 4317 retained).
Molecular consequence: synonymous variant.
Genome position (GRCh38, 1-based): chr14:64,119,535, C>T. VCF-style: chr14-64119535-C-T. GRCh37 (hg19) VCF-style: chr14-64586253-C-T.
Other names: c.12949C>T, p.Leu4317= (NM_015180.6); c.12949C>T (NM_182914.2).
Identifiers: ClinVar variation 1148838 (VCV001148838.10), dbSNP rs372251754, ClinGen allele CA7222290.

ClinVar aggregate classification (germline): Likely benign. Review status: criteria provided, multiple submitters, no conflicts (2 of 4 stars). 2 submissions from 2 submitters: Likely benign (2). Last evaluated 2025-05-13.

Conditions:
Emery-Dreifuss muscular dystrophy 5, autosomal dominant (EDMD5). Also called: EMERY-DREIFUSS MUSCULAR DYSTROPHY 5. Identifiers: Orphanet 261, MedGen C2751805, MONDO:0013072, OMIM 612999.

Allele frequency attached by ClinVar (database versions not stated): gnomAD exomes 0.00002 and 0.00005; ExAC 0.00006; gnomAD 0.00020 and 0.00022; ESP Exome Variant Server 0.00023; TOPMed 0.00027.
gnomAD v4.1: 60 of 1,614,052 alleles (0.0037%); highest among the groups gnomAD compares: African/African-American, 0.071%; no homozygotes.

Submissions (2):

Athena Diagnostics
Classification: Likely benign. Last evaluated: 2025-05-13. Review status: criteria provided, single submitter. Criteria: Athena Diagnostics Criteria. Collection method: clinical testing. Allele origin: unknown.
Comment: Computational tools yielded predictions that this variant is unlikely to have an effect on normal RNA splicing. This nucleotide position exhibits low evolutionary conservation.

Labcorp Genetics (formerly Invitae), Labcorp
Classification: Likely benign for Emery-Dreifuss muscular dystrophy 5, autosomal dominant. Last evaluated: 2025-02-04. Review status: criteria provided, single submitter. Criteria: Invitae Variant Classification Sherloc (09022015). Collection method: clinical testing. Allele origin: germline.